The following is an entry in ClinVar:

NM_017617.5(NOTCH1):c.2558_2560del (p.Phe853del)

Gene: NOTCH1 (notch receptor 1; minus strand). Cytogenetic location: 9q34.3.
Variant type: Deletion.
Coding change: c.2558_2560del on transcript NM_017617.5 (MANE Select); coding-DNA positions 2558 to 2560, 3 bases deleted (TCT; older notation c.2558_2560delTCT).
Protein change: p.Phe853del; deletes phenylalanine 853.
Molecular consequence: inframe deletion.
Genome position (GRCh38, 1-based): chr9:136,511,179-136,511,181, AGA deleted on the plus strand (TCT on the coding strand, the reverse complement: NOTCH1 is on the minus strand); deleting any 3 consecutive bases within chr9:136,511,179-136,511,183 gives the same sequence; the c. name uses the placement nearest the transcript's 3' end. VCF-style (leftmost placement, unchanged base first): chr9-136511178-GAGA-G. GRCh37 (hg19) VCF-style: chr9-139405630-GAGA-G.
Other names: c.2558_2560delTCT (NM_017617.4, NM_017617.5); c.2558_2560del, p.Phe853del (LRG_1122t1); c.2558_2560del (NM_017617.3); short protein forms F853del.
Identifiers: ClinVar variation 451668 (VCV000451668.21), dbSNP rs779164170, ClinGen allele CA5341269.
Genomic context (GRCh38, chr9:136,511,178, plus strand): 5'-ATCCCAGCCCTCACCGGGCCCTGGCCAGCCTCACCTTGCCAGCCCGTGGGGCAGACACAG[GAGA>G]AGCTCTCATAGTCCTCGGATTGCCTGCACTCCCCGCCGTTTCTGCAGGGGCTGGGGGCAC-3'

ClinVar aggregate classification (germline): Conflicting classifications of pathogenicity. Review status: criteria provided, conflicting classifications (1 of 4 stars). 10 submissions from 9 submitters: Uncertain significance (7); Likely benign (2). 1 of the submissions does not count toward it. Last evaluated 2026-02-01.

Conditions:
Aortic valve disorder (AOVD1). Also called: AORTIC VALVE DISEASE. Identifiers: MedGen C1260873, MONDO:0003803.
Adams-Oliver syndrome 5 (AOS5). Identifiers: Orphanet 974, MedGen C4014970, MONDO:0014459, OMIM 616028.
Congenital heart disease (CHD). Identifiers: MedGen C0152021, MONDO:0005453. Disease mechanism: unknown.
NOTCH1-related disorder. Also called: NOTCH1-related condition; NOTCH1-related disorders.
Aortic valve disease 1 (AOVD1). Identifiers: MedGen C3887892, MONDO:0024523, OMIM 109730.
Familial thoracic aortic aneurysm and aortic dissection (TAAD). Also called: Thoracic aortic aneurysms and dissections. Identifiers: Orphanet 91387, MedGen C4707243, MONDO:0019625.

Submissions (10):

Labcorp Genetics (formerly Invitae), Labcorp
Classification: Uncertain significance for Adams-Oliver syndrome 5. Last evaluated: 2026-02-01. Review status: criteria provided, single submitter. Criteria: Invitae Variant Classification Sherloc (09022015). Collection method: clinical testing. Allele origin: germline.
Comment: This variant, c.2558_2560del, results in the deletion of 1 amino acid(s) of the NOTCH1 protein (p.Phe853del), but otherwise preserves the integrity of the reading frame. This variant is present in population databases (rs779164170, gnomAD 0.007%). This variant has not been reported in the literature in individuals affected with NOTCH1-related conditions. ClinVar contains an entry for this variant (Variation ID: 451668). Experimental studies and prediction algorithms are not available or were not evaluated, and the functional significance of this variant is currently unknown. In summary, the available evidence is currently insufficient to determine the role of this variant in disease. Therefore, it has been classified as a Variant of Uncertain Significance.

GeneDx
Classification: Uncertain significance. Last evaluated: 2025-04-23. Review status: criteria provided, single submitter. Criteria: GeneDx Variant Classification Process June 2021. Collection method: clinical testing. Allele origin: germline. Affected: yes.
Comment: Has not been previously published as pathogenic or benign to our knowledge; In-frame deletion of one amino acid in a non-repeat region; In silico analysis supports a deleterious effect on protein structure/function

Fulgent Genetics
Classification: Uncertain significance for Aortic valve disease 1; Adams-Oliver syndrome 5. Last evaluated: 2024-06-13. Review status: criteria provided, single submitter. Criteria: ACMG Guidelines, 2015. Collection method: clinical testing. Allele origin: germline.

Women's Health and Genetics/Laboratory Corporation of America, LabCorp
Classification: Likely benign. Last evaluated: 2023-12-18. Review status: criteria provided, single submitter. Criteria: LabCorp Variant Classification Summary - May 2015. Collection method: clinical testing. Allele origin: germline.
Comment: Variant summary: NOTCH1 c.2558_2560delTCT (p.Phe853del) results in an in-frame deletion that is predicted to remove one amino acid from the encoded protein. The variant allele was found at a frequency of 2.9e-05 in 1612802 control chromosomes, predominantly at a frequency of 3.7e-05 within the Non-Finnish European subpopulation in the gnomAD database (gnomAD v4.0.0). The observed variant frequency within Non-Finnish European control individuals in the gnomAD database is approximately 1.2 fold of the estimated maximal expected allele frequency for a pathogenic variant in NOTCH1 causing Aortic Valve Disease phenotype (3.1e-05), suggesting that the variant is a benign polymorphism found primarily in populations of Non-Finnish European origin. To our knowledge, no occurrence of c.2558_2560delTCT in individuals affected with Aortic Valve Disease and no experimental evidence demonstrating its impact on protein function have been reported. Four submitters have reported clinical-significance assessments for this variant to ClinVar after 2014. All submitters classified the variant as uncertain significance. Based on the evidence outlined above, the variant was classified as likely benign.

Ambry Genetics
Classification: Uncertain significance for Familial thoracic aortic aneurysm and aortic dissection. Last evaluated: 2023-11-07. Review status: criteria provided, single submitter. Criteria: Ambry Variant Classification Scheme 2023. Collection method: clinical testing. Allele origin: germline.
Comment: The c.2558_2560delTCT variant (also known as p.F853del) is located in coding exon 16 of the NOTCH1 gene. This variant results from an in-frame TCT deletion at nucleotide positions 2558 to 2560. This results in the in-frame deletion of a phenylalanine at codon 853. This amino acid position is highly conserved in available vertebrate species. In addition, this alteration is predicted to be deleterious by in silico analysis (Choi Y et al. PLoS ONE. 2012; 7(10):e46688). Since supporting evidence is limited at this time, the clinical significance of this alteration remains unclear.

Blueprint Genetics
Classification: Likely benign. Last evaluated: 2023-06-19. Review status: criteria provided, single submitter. Criteria: ACMG Guidelines, 2015. Collection method: clinical testing. Allele origin: germline.

Pittsburgh Clinical Genomics Laboratory, University of Pittsburgh Medical Center
Classification: Uncertain significance for Adams-Oliver syndrome 5. Last evaluated: 2023-01-13. Review status: criteria provided, single submitter. Criteria: ACMG Guidelines, 2015. Collection method: clinical testing. Allele origin: germline. Inheritance: Autosomal dominant inheritance. Affected: yes.
Comment: This sequence variant is a 3-nucleotide deletion (delAGA) at coding position 2558-2560 of the NOTCH1 gene that results in an in-frame loss of a single amino acid Phe853. This is a previously reported variant (ClinVar) that has not been observed in the literature in individuals with NOTCH1-related illness, to our knowledge. This variant is present in the gnomAD population database (11 of 279128 alleles or 0.004%). In silico tools do not provide predictions about the effect of this variant; however the Phe853 residue is highly conserve across the mammalian species examined. Functiol studies testing the effect of this variant have not been performed, to our knowledge. At this time, there is insufficient evidence to determine if this variant is pathogenic or benign. Therefore, we consider this to be a variant of uncertain significance. ACMG Criteria: PM2, PM4

Genome-Nilou Lab
Classification: Uncertain significance for Adams-Oliver syndrome 5. Last evaluated: 2022-03-15. Review status: criteria provided, single submitter. Criteria: ACMG Guidelines, 2015. Collection method: clinical testing. Allele origin: germline. Affected: no.

Genome-Nilou Lab
Classification: Uncertain significance for Aortic valve disease 1. Last evaluated: 2022-03-15. Review status: criteria provided, single submitter. Criteria: ACMG Guidelines, 2015. Collection method: clinical testing. Allele origin: germline. Affected: no.

PreventionGenetics, part of Exact Sciences
Classification: Uncertain significance for NOTCH1-related condition. Last evaluated: 2024-08-07. Review status: no assertion criteria provided. Collection method: clinical testing. Allele origin: germline. Not counted in ClinVar's aggregate classification.
Comment: The NOTCH1 c.2558_2560delTCT variant is predicted to result in an in-frame deletion (p.Phe853del). To our knowledge, this variant has not been reported in the literature. This variant is reported in 0.0086% of alleles in individuals of European (Non-Finnish) descent in gnomAD. At this time, the clinical significance of this variant is uncertain due to the absence of conclusive functional and genetic evidence.